The following is an entry in ClinVar:

NM_024589.3(ROGDI):c.*380G>A

Gene: ROGDI (rogdi atypical leucine zipper; minus strand). Cytogenetic location: 16p13.3.
Variant type: single nucleotide variant.
Coding change: c.*380G>A on transcript NM_024589.3 (MANE Select); 380 bases downstream of the stop codon, G replaced by A.
Molecular consequence: 3 prime UTR variant. On other transcripts: non-coding transcript variant (1).
Genome position (GRCh38, 1-based): chr16:4,797,080, C>T on the plus strand (G>A on the coding strand, the complement: ROGDI is on the minus strand). VCF-style: chr16-4797080-C-T. GRCh37 (hg19) VCF-style: chr16-4847081-C-T.
Identifiers: ClinVar variation 319391 (VCV000319391.6), dbSNP rs3210637, ClinGen allele CA10647555.
Genomic context (GRCh38, chr16:4,797,080, plus strand): 5'-CACAGTCACCAGCACTATACTCACTCCTAGGGTGGCTCTGTCTGTGGCGTTCCTCACCAT[C>T]CCCGGGACTCATAGCTCAGTGCCACCCCCCGACACCATGCCCTCCAGGGGGAGGGGACAG-3'

ClinVar aggregate classification (germline): Likely benign. Review status: criteria provided, multiple submitters, no conflicts (2 of 4 stars). 2 submissions from 2 submitters: Likely benign (2). Last evaluated 2017-04-27.

Conditions:
Amelocerebrohypohidrotic syndrome (KTZS). Also called: EPILEPSY AND YELLOW TEETH; EPILEPSY, DEMENTIA, AND AMELOGENESIS IMPERFECTA; KOHLSCHUTTER SYNDROME; Kohlschutter's syndrome. Identifiers: Orphanet 1946, MedGen C0406740, MONDO:0009185, OMIM 226750.

Allele frequency attached by ClinVar (database versions not stated): 1000 Genomes Project 30x 0.03170; 1000 Genomes Project 0.03195; gnomAD 0.04531 and 0.04572; TOPMed 0.04575; gnomAD exomes 0.03891.

Submissions (2):

Illumina Laboratory Services, Illumina
Classification: Likely benign for Kohlschutter syndrome. Last evaluated: 2017-04-27. Review status: criteria provided, single submitter. Criteria: ICSL Variant Classification Criteria 13 December 2019. Collection method: clinical testing. Allele origin: germline.
Comment: This variant was observed as part of a predisposition screen in an ostensibly healthy population. A literature search was performed for the gene, cDNA change, and amino acid change (where applicable). No publications were found based on this search. Allele frequency data from public databases allowed determination this variant is unlikely to cause disease. Therefore, this variant is classified as likely benign.

Breakthrough Genomics
Classification: Likely benign. Review status: criteria provided, single submitter. Criteria: ACMG Guidelines, 2015. Collection method: not provided. Allele origin: germline. Inheritance: Autosomal recessive inheritance. Affected: yes.